The following is an entry in ClinVar:

ClinVar aggregate classification (germline): Likely pathogenic (1 of 4 stars; one submission).

Conditions:
Epidermodysplasia verruciformis, susceptibility to, 2. Also called: Epidermodysplasia verruciformis 2. Identifiers: MedGen C4722258, MONDO:0032614, OMIM 618231.

Submission:

Juno Genomics, Hangzhou Juno Genomics, Inc
Classification: Likely pathogenic for Epidermodysplasia verruciformis, susceptibility to, 2. Review status: criteria provided, single submitter. Criteria: ACMG Guidelines, 2015. Collection method: clinical testing. Allele origin: germline.
Comment: Null variant in a gene where loss of function (LOF) is a known mechanism of disease.;Absent from controls (or at extremely low frequency if recessive) in Genome Aggregation Database.

NM_152468.5(TMC8):c.880_883del (p.Cys294fs)

Gene: TMC8 (transmembrane channel like 8; plus strand). Cytogenetic location: 17q25.3.
Variant type: Deletion.
Coding change: c.880_883del on transcript NM_152468.5 (MANE Select); coding-DNA positions 880 to 883, 4 bases deleted (TGCC; older notation c.880_883delTGCC).
Protein change: p.Cys294fs; shifts the reading frame from cysteine 294.
Molecular consequence: frameshift variant.
Genome position (GRCh38, 1-based): chr17:78,134,457-78,134,460, TGCC deleted; deleting any 4 consecutive bases within chr17:78,134,454-78,134,460 gives the same sequence; the c. name uses the placement nearest the transcript's 3' end. VCF-style (leftmost placement, unchanged base first): chr17-78134453-GGCCT-G. GRCh37 (hg19) VCF-style: chr17-76130534-GGCCT-G.
Other names: short protein forms C294fs.
Identifiers: ClinVar variation 5005830 (VCV005005830.2).